The following is an entry in ClinVar:

NM_001267550.2(TTN):c.91413C>T (p.Cys30471=)

Genes: TTN (titin; minus strand), TTN-AS1 (TTN antisense RNA 1; plus strand). Cytogenetic location: 2q31.2.
Variant type: single nucleotide variant.
Coding change: c.91413C>T on transcript NM_001267550.2 (MANE Select); coding-DNA position 91413, C replaced by T.
Protein change: p.Cys30471=; no amino-acid change (cysteine 30471 retained).
Molecular consequence: synonymous variant.
Genome position (GRCh38, 1-based): chr2:178,551,118, G>A on the plus strand (C>T on the coding strand, the complement: TTN is on the minus strand). VCF-style: chr2-178551118-G-A. GRCh37 (hg19) VCF-style: chr2-179415845-G-A.
Other names: c.86490C>T, p.Cys28830= (NM_001256850.1); c.64218C>T, p.Cys21406= (NM_003319.4); c.83709C>T, p.Cys27903= (NM_133378.4); c.64593C>T, p.Cys21531= (NM_133432.3); c.64794C>T, p.Cys21598= (NM_133437.4).
Identifiers: ClinVar variation 3047849 (VCV003047849.2), dbSNP rs1377928896, ClinGen allele CA430103803.

ClinVar aggregate classification (germline): Likely benign (0 of 4 stars; one submission).

Conditions:
TTN-related disorder. Also called: TTN-related condition; TTN-related disease; TTN-related disorders.

Allele frequency attached by ClinVar (database versions not stated): gnomAD exomes 0.00001; TOPMed 0.00001.
gnomAD v4.1: 3 of 1,613,412 alleles (0.00019%); highest among the groups gnomAD compares: Admixed American, 0.005%; no homozygotes.

Submission:

PreventionGenetics, part of Exact Sciences
Classification: Likely benign for TTN-related condition. Last evaluated: 2020-10-27. Review status: no assertion criteria provided. Collection method: clinical testing. Allele origin: germline.
Comment: This variant is classified as likely benign based on ACMG/AMP sequence variant interpretation guidelines (Richards et al. 2015 PMID: 25741868, with internal and published modifications).